The following is an entry in ClinVar:

NM_002335.4(LRP5):c.4252G>A (p.Ala1418Thr)

Gene: LRP5 (LDL receptor related protein 5; plus strand). Cytogenetic location: 11q13.2.
Variant type: single nucleotide variant.
Coding change: c.4252G>A on transcript NM_002335.4 (MANE Select); coding-DNA position 4252, G replaced by A.
Protein change: p.Ala1418Thr; replaces alanine 1418 with threonine.
Molecular consequence: missense variant.
Genome position (GRCh38, 1-based): chr11:68,438,586, G>A. VCF-style: chr11-68438586-G-A. GRCh37 (hg19) VCF-style: chr11-68206054-G-A.
Other names: c.2509G>A, p.Ala837Thr (NM_001291902.2); short protein forms A1418T, A837T.
Identifiers: ClinVar variation 1051797 (VCV001051797.11), dbSNP rs2153181307, ClinGen allele CA381615106.
Genomic context (GRCh38, chr11:68,438,586, plus strand): 5'-TTCGTCATGGGTGGTGTCTATTTTGTGTGCCAGCGCGTGGTGTGCCAGCGCTATGCGGGG[G>A]CCAACGGGCCCTTCCCGCACGAGTATGTCAGCGGGACCCCGCACGTGCCCCTCAATTTCA-3'
Protein context (NP_002326.2, residues 1408-1428): QRVVCQRYAG[Ala1418Thr]NGPFPHEYVS

ClinVar aggregate classification (germline): Uncertain significance. Review status: criteria provided, multiple submitters, no conflicts (2 of 4 stars). 3 submissions from 3 submitters: Uncertain significance (3). Last evaluated 2024-10-23.

Conditions:
Exudative vitreoretinopathy 1 (EVR1). Also called: FEVR, AUTOSOMAL DOMINANT; Familial exudative vitreoretinopathy, autosomal dominant; CRISWICK-SCHEPENS SYNDROME. Identifiers: Orphanet 891, Orphanet 90050, MedGen C1851402, MONDO:0007589, OMIM 133780.
Osteoporosis with pseudoglioma (OPPG). Also called: osteoporosis-pseudoglioma syndrome. Identifiers: Orphanet 2788, MedGen C0432252, MONDO:0009820, OMIM 259770.
Osteoporosis. Identifiers: MedGen C0029456, MONDO:0005298, OMIM 166710, HP:0000939.
Bone mineral density quantitative trait locus 1 (BMND1). Identifiers: MedGen C1866079, OMIM 601884.
Worth disease. Also called: Autosomal dominant osteosclerosis, Worth type; ENDOSTEAL HYPEROSTOSIS, AUTOSOMAL DOMINANT; OSTEOSCLEROSIS, AUTOSOMAL DOMINANT. Identifiers: Orphanet 2790, MedGen C0432273, MONDO:0007764, OMIM 144750.
Autosomal dominant osteopetrosis 1 (OPTA1). Also called: OSTEOPETROSIS, AUTOSOMAL DOMINANT, TYPE I. Identifiers: Orphanet 2783, MedGen C1843330, MONDO:0011877, OMIM 607634.
Exudative vitreoretinopathy 4 (EVR4). Identifiers: Orphanet 891, MedGen C1866176, MONDO:0011151, OMIM 601813.
Polycystic liver disease 4 with or without kidney cysts. Identifiers: MedGen C4693479, MONDO:0044327, OMIM 617875.

gnomAD v4.1: 3 of 1,614,032 alleles (0.00019%); highest among the groups gnomAD compares: Non-Finnish European, 0.00017%; no homozygotes.

Submissions (3):

Labcorp Genetics (formerly Invitae), Labcorp
Classification: Uncertain significance. Last evaluated: 2024-10-23. Review status: criteria provided, single submitter. Criteria: Invitae Variant Classification Sherloc (09022015). Collection method: clinical testing. Allele origin: germline.
Comment: This sequence change replaces alanine, which is neutral and non-polar, with threonine, which is neutral and polar, at codon 1418 of the LRP5 protein (p.Ala1418Thr). This variant is not present in population databases (gnomAD no frequency). This variant has not been reported in the literature in individuals affected with LRP5-related conditions. ClinVar contains an entry for this variant (Variation ID: 1051797). Invitae Evidence Modeling of protein sequence and biophysical properties (such as structural, functional, and spatial information, amino acid conservation, physicochemical variation, residue mobility, and thermodynamic stability) indicates that this missense variant is not expected to disrupt LRP5 protein function with a negative predictive value of 95%. In summary, the available evidence is currently insufficient to determine the role of this variant in disease. Therefore, it has been classified as a Variant of Uncertain Significance.

Fulgent Genetics
Classification: Uncertain significance for Exudative vitreoretinopathy 1; Worth disease; Osteoporosis; Osteoporosis with pseudoglioma; Exudative vitreoretinopathy 4; Bone mineral density quantitative trait locus 1; Autosomal dominant osteopetrosis 1; Polycystic liver disease 4 with or without kidney cysts. Last evaluated: 2021-12-07. Review status: criteria provided, single submitter. Criteria: ACMG Guidelines, 2015. Collection method: clinical testing. Allele origin: unknown.

Blueprint Genetics
Classification: Uncertain significance. Last evaluated: 2019-11-20. Review status: criteria provided, single submitter. Criteria: ACMG Guidelines, 2015. Collection method: clinical testing. Allele origin: germline.